The following is an entry in ClinVar:

ClinVar aggregate classification (germline): Uncertain significance (1 of 4 stars; one submission).

Conditions:
Hereditary cancer-predisposing syndrome. Also called: Hereditary Cancer Syndrome; Hereditary neoplastic syndrome; Tumor predisposition; Neoplastic Syndromes, Hereditary. Identifiers: Orphanet 140162, MedGen C0027672, MeSH D009386, MONDO:0015356.

Submission:

Ambry Genetics
Classification: Uncertain significance for Hereditary cancer-predisposing syndrome. Last evaluated: 2024-06-28. Review status: criteria provided, single submitter. Criteria: Ambry Variant Classification Scheme 2023. Collection method: clinical testing. Allele origin: germline.
Comment: The p.E10D variant (also known as c.30G>C), located in coding exon 1 of the MAX gene, results from a G to C substitution at nucleotide position 30. The glutamic acid at codon 10 is replaced by aspartic acid, an amino acid with highly similar properties. This amino acid position is well conserved in available vertebrate species; however, aspartic acid is the reference amino acid in other vertebrate species. In addition, this alteration is predicted to be tolerated by in silico analysis. Based on the available evidence, the clinical significance of this variant remains unclear.

NM_002382.5(MAX):c.30G>C (p.Glu10Asp)

Genes: MAX (MYC associated transcriptional regulator X; minus strand), LOC130055850 (ATAC-STARR-seq lymphoblastoid silent region 5847; plus strand). Cytogenetic location: 14q23.3.
Variant type: single nucleotide variant.
Coding change: c.30G>C on transcript NM_002382.5 (MANE Select); coding-DNA position 30, G replaced by C.
Protein change: p.Glu10Asp; replaces glutamic acid 10 with aspartic acid.
Molecular consequence: missense variant. On other transcripts: 5 prime UTR variant (2), intron variant (2).
Genome position (GRCh38, 1-based): chr14:65,102,310, C>G on the plus strand (G>C on the coding strand, the complement: MAX is on the minus strand). VCF-style: chr14-65102310-C-G. GRCh37 (hg19) VCF-style: chr14-65569028-C-G.
Other names: c.30G>C, p.Glu10Asp (NM_001271068.2, NM_001271069.2, NM_001407094.1 and 18 more transcripts); c.-245G>C (NM_001320415.2); c.-218G>C (NM_001407107.1); c.-305+199G>C (NM_001407112.1); c.-239+199G>C (NM_001407106.1); short protein forms E10D.
Identifiers: ClinVar variation 3543687 (VCV003543687.1).